The following is an entry in ClinVar:

ClinVar aggregate classification (germline): Benign. Review status: criteria provided, multiple submitters, no conflicts (2 of 4 stars). 3 submissions from 3 submitters: Benign (3). Last evaluated 2025-09-04.

Conditions:
DNAH7-related disorder. Also called: DNAH7-related condition.

Allele frequency attached by ClinVar (database versions not stated): 1000 Genomes Project 0.01777; gnomAD exomes 0.03033 and 0.03752; gnomAD 0.03094 and 0.03191; ExAC 0.03105; TOPMed 0.03112; ESP Exome Variant Server 0.03446.
gnomAD v4.1: 56,395 of 1,531,804 alleles (3.7%); highest among the groups gnomAD compares: Middle Eastern, 6.4%; 1,169 homozygotes.

Submissions (3):

PreventionGenetics, part of Exact Sciences
Classification: Benign for DNAH7-related condition. Last evaluated: 2025-09-04. Review status: criteria provided, single submitter. Criteria: ACMG Guidelines, 2015. Collection method: clinical testing. Allele origin: germline.
Comment: This variant is classified as benign based on ACMG/AMP sequence variant interpretation guidelines (Richards et al. 2015 PMID: 25741868, with internal and published modifications).

Laboratory for Molecular Medicine, Mass General Brigham Personalized Medicine
Classification: Benign. Last evaluated: 2016-03-29. Review status: criteria provided, single submitter. Criteria: LMM Criteria. Collection method: clinical testing. Allele origin: germline.
Comment: Variant identified in a genome or exome case(s) and assessed due to predicted null impact of the variant or pathogenic assertions in the literature or databases. Disclaimer: This variant has not undergone full assessment. The following are preliminary notes: Frequency

Breakthrough Genomics
Classification: Benign. Review status: criteria provided, single submitter. Criteria: ACMG Guidelines, 2015. Collection method: not provided. Allele origin: germline. Inheritance: Unknown mechanism. Affected: yes.

NM_018897.3(DNAH7):c.6340A>G (p.Thr2114Ala)

Gene: DNAH7 (dynein axonemal heavy chain 7; minus strand). Cytogenetic location: 2q32.3.
Variant type: single nucleotide variant.
Coding change: c.6340A>G on transcript NM_018897.3 (MANE Select); coding-DNA position 6340, A replaced by G.
Protein change: p.Thr2114Ala; replaces threonine 2114 with alanine.
Molecular consequence: missense variant.
Genome position (GRCh38, 1-based): chr2:195,873,641, T>C on the plus strand (A>G on the coding strand, the complement: DNAH7 is on the minus strand). VCF-style: chr2-195873641-T-C. GRCh37 (hg19) VCF-style: chr2-196738365-T-C.
Other names: short protein forms T2114A.
Identifiers: ClinVar variation 402749 (VCV000402749.6), dbSNP rs75859635, ClinGen allele CA2035125.